The following is an entry in ClinVar:

ClinVar aggregate classification (germline): Likely benign (0 of 4 stars; one submission).

Conditions:
CREBBP-related disorder. Also called: CREBBP-related condition; CREBBP-related disorders.

gnomAD v4.1: 1 of 1,612,106 alleles (0.000062%); highest among the groups gnomAD compares: Non-Finnish European, 0.000085%; no homozygotes.

Submission:

PreventionGenetics, part of Exact Sciences
Classification: Likely benign for CREBBP-related condition. Last evaluated: 2023-10-02. Review status: no assertion criteria provided. Collection method: clinical testing. Allele origin: germline.
Comment: This variant is classified as likely benign based on ACMG/AMP sequence variant interpretation guidelines (Richards et al. 2015 PMID: 25741868, with internal and published modifications).

NM_004380.3(CREBBP):c.2310T>C (p.Pro770=)

Gene: CREBBP (CREB binding lysine acetyltransferase; minus strand). Cytogenetic location: 16p13.3.
Variant type: single nucleotide variant.
Coding change: c.2310T>C on transcript NM_004380.3 (MANE Select); coding-DNA position 2310, T replaced by C.
Protein change: p.Pro770=; no amino-acid change (proline 770 retained).
Molecular consequence: synonymous variant.
Genome position (GRCh38, 1-based): chr16:3,773,904, A>G on the plus strand (T>C on the coding strand, the complement: CREBBP is on the minus strand). VCF-style: chr16-3773904-A-G. GRCh37 (hg19) VCF-style: chr16-3823905-A-G.
Other names: c.2196T>C, p.Pro732= (NM_001079846.1).
Identifiers: ClinVar variation 3358419 (VCV003358419.1).